The following is an entry in ClinVar:

ClinVar aggregate classification (germline): Uncertain significance. Review status: criteria provided, multiple submitters, no conflicts (2 of 4 stars). 3 submissions from 3 submitters: Uncertain significance (3). Last evaluated 2024-11-26.

Conditions:
Epiphyseal dysplasia, multiple, 2 (EDM2). Also called: COL9A2-Related Multiple Epiphyseal Dysplasia. Identifiers: MedGen C1838429, MONDO:0010844, OMIM 600204.

Allele frequency attached by ClinVar (database versions not stated): TOPMed below 0.00001; gnomAD 0.00001.
gnomAD v4.1: 7 of 1,614,012 alleles (0.00043%); highest among the groups gnomAD compares: Non-Finnish European, 0.00059%; no homozygotes.

Submissions (3):

Labcorp Genetics (formerly Invitae), Labcorp
Classification: Uncertain significance. Last evaluated: 2024-11-26. Review status: criteria provided, single submitter. Criteria: Invitae Variant Classification Sherloc (09022015). Collection method: clinical testing. Allele origin: germline.
Comment: This sequence change affects codon 300 of the COL9A2 mRNA. It is a 'silent' change, meaning that it does not change the encoded amino acid sequence of the COL9A2 protein. This variant also falls at the last nucleotide of exon 17, which is part of the consensus splice site for this exon. This variant is present in population databases (no rsID available, gnomAD 0.002%). This variant has not been reported in the literature in individuals affected with COL9A2-related conditions. ClinVar contains an entry for this variant (Variation ID: 874399). Variants that disrupt the consensus splice site are a relatively common cause of aberrant splicing (PMID: 17576681, 9536098). Algorithms developed to predict the effect of sequence changes on RNA splicing suggest that this variant may disrupt the consensus splice site. In summary, the available evidence is currently insufficient to determine the role of this variant in disease. Therefore, it has been classified as a Variant of Uncertain Significance.

GeneDx
Classification: Uncertain significance. Last evaluated: 2023-02-02. Review status: criteria provided, single submitter. Criteria: GeneDx Variant Classification Process June 2021. Collection method: clinical testing. Allele origin: germline. Affected: yes.
Comment: Not observed at significant frequency in large population cohorts (gnomAD); In silico analysis supports a deleterious effect on splicing; Has not been previously published as pathogenic or benign to our knowledge

Illumina Laboratory Services, Illumina
Classification: Uncertain significance for Epiphyseal dysplasia, multiple, 2. Last evaluated: 2018-01-12. Review status: criteria provided, single submitter. Criteria: ICSL Variant Classification Criteria 13 December 2019. Collection method: clinical testing. Allele origin: germline.

Literature cited by the submitters: PubMed 17576681 (cited by Labcorp Genetics (formerly Invitae), Labcorp); PubMed 9536098 (cited by Labcorp Genetics (formerly Invitae), Labcorp).

NM_001852.4(COL9A2):c.900G>C (p.Thr300=)

Gene: COL9A2 (collagen type IX alpha 2 chain; minus strand). Cytogenetic location: 1p34.2.
Variant type: single nucleotide variant.
Coding change: c.900G>C on transcript NM_001852.4 (MANE Select); coding-DNA position 900, G replaced by C.
Protein change: p.Thr300=; no amino-acid change (threonine 300 retained).
Molecular consequence: synonymous variant.
Genome position (GRCh38, 1-based): chr1:40,308,192, C>G on the plus strand (G>C on the coding strand, the complement: COL9A2 is on the minus strand). VCF-style: chr1-40308192-C-G. GRCh37 (hg19) VCF-style: chr1-40773864-C-G.
Identifiers: ClinVar variation 874399 (VCV000874399.7), dbSNP rs752584833, ClinGen allele CA417330274.